The following is an entry in ClinVar:

ClinVar aggregate classification (germline): Benign (1 of 4 stars; one submission).

Conditions:
Maple syrup urine disease (MSUD). Identifiers: Orphanet 511, MedGen C0024776, MeSH D008375, MONDO:0009563. Disease mechanism: loss of function.

Allele frequency attached by ClinVar (database versions not stated): gnomAD 0.00569 and 0.00603; 1000 Genomes Project 0.00619; TOPMed 0.00637; 1000 Genomes Project 30x 0.00765.

Submission:

Illumina Laboratory Services, Illumina
Classification: Benign for Maple syrup urine disease type 1A. Last evaluated: 2017-04-27. Review status: criteria provided, single submitter. Criteria: ICSL Variant Classification Criteria 13 December 2019. Collection method: clinical testing. Allele origin: germline.
Comment: This variant was observed as part of a predisposition screen in an ostensibly healthy population. A literature search was performed for the gene, cDNA change, and amino acid change (where applicable). No publications were found based on this search. Allele frequency data from public databases was too high to be consistent with this variant causing disease. Therefore, this variant is classified as benign.

NM_001918.5(DBT):c.*4094C>A

Gene: DBT (dihydrolipoamide branched chain transacylase E2; minus strand). Cytogenetic location: 1p21.2.
Variant type: single nucleotide variant.
Coding change: c.*4094C>A on transcript NM_001918.5 (MANE Select); 4094 bases downstream of the stop codon, C replaced by A.
Molecular consequence: 3 prime UTR variant.
Genome position (GRCh38, 1-based): chr1:100,192,161, G>T on the plus strand (C>A on the coding strand, the complement: DBT is on the minus strand). VCF-style: chr1-100192161-G-T. GRCh37 (hg19) VCF-style: chr1-100657717-G-T.
Identifiers: ClinVar variation 876235 (VCV000876235.4), dbSNP rs74825164, ClinGen allele CA27597532.
Genomic context (GRCh38, chr1:100,192,161, plus strand): 5'-TCTTGGTGATTTTGACTGGAAATGATGTGGGTTCACACACATGATCCAATCTCAAGAAAA[G>T]ACAGTGTAGAGGGAAGGGGGTAAAACCACCATTAAGAACTGATTGGGAATATAGCTCAAC-3'